The following is an entry in ClinVar:

NM_006231.4(POLE):c.5257A>G (p.Ser1753Gly)

Gene: POLE (DNA polymerase epsilon, catalytic subunit; minus strand). Cytogenetic location: 12q24.33.
Variant type: single nucleotide variant.
Coding change: c.5257A>G on transcript NM_006231.4 (MANE Select); coding-DNA position 5257, A replaced by G.
Protein change: p.Ser1753Gly; replaces serine 1753 with glycine.
Molecular consequence: missense variant.
Genome position (GRCh38, 1-based): chr12:132,641,768, T>C on the plus strand (A>G on the coding strand, the complement: POLE is on the minus strand). VCF-style: chr12-132641768-T-C. GRCh37 (hg19) VCF-style: chr12-133218354-T-C.
Other names: c.5257A>G (NM_006231.2); short protein forms S1753G.
Identifiers: ClinVar variation 1476466 (VCV001476466.11), dbSNP rs2138525231, ClinGen allele CA387376295.
Genomic context (GRCh38, chr12:132,641,768, plus strand): 5'-CACCCGTGATCATGTCCTCCAGGGAGGCCTGCTGGATCACGTCGAAGCTGATCCCCATGC[T>C]GTCGGCCCCCTCCATGTCGTTGACATGGTGAGACTGGAGAATGGTGTTGACGGCCAGGTT-3'
Protein context (NP_006222.2, residues 1743-1763): HHVNDMEGAD[Ser1753Gly]MGISFDVIQQ

ClinVar aggregate classification (germline): Uncertain significance. Review status: criteria provided, multiple submitters, no conflicts (2 of 4 stars). 2 submissions from 2 submitters: Uncertain significance (2). Last evaluated 2025-11-17.

Conditions:
Hereditary cancer-predisposing syndrome. Also called: Neoplastic Syndromes, Hereditary; Hereditary Cancer Syndrome; Tumor predisposition; Hereditary neoplastic syndrome. Identifiers: Orphanet 140162, MedGen C0027672, MeSH D009386, MONDO:0015356.

Submissions (2):

Labcorp Genetics (formerly Invitae), Labcorp
Classification: Uncertain significance. Last evaluated: 2025-11-17. Review status: criteria provided, single submitter. Criteria: Invitae Variant Classification Sherloc (09022015). Collection method: clinical testing. Allele origin: germline.
Comment: This sequence change replaces serine, which is neutral and polar, with glycine, which is neutral and non-polar, at codon 1753 of the POLE protein (p.Ser1753Gly). This variant is not present in population databases (gnomAD no frequency). This variant has not been reported in the literature in individuals affected with POLE-related conditions. ClinVar contains an entry for this variant (Variation ID: 1476466). Invitae Evidence Modeling of protein sequence and biophysical properties (such as structural, functional, and spatial information, amino acid conservation, physicochemical variation, residue mobility, and thermodynamic stability) indicates that this missense variant is not expected to disrupt POLE protein function with a negative predictive value of 80%. In summary, the available evidence is currently insufficient to determine the role of this variant in disease. Therefore, it has been classified as a Variant of Uncertain Significance.

Ambry Genetics
Classification: Uncertain significance for Hereditary cancer-predisposing syndrome. Last evaluated: 2025-06-20. Review status: criteria provided, single submitter. Criteria: Ambry Variant Classification Scheme 2023. Collection method: clinical testing. Allele origin: germline.
Comment: The p.S1753G variant (also known as c.5257A>G), located in coding exon 39 of the POLE gene, results from an A to G substitution at nucleotide position 5257. The serine at codon 1753 is replaced by glycine, an amino acid with similar properties. This amino acid position is conserved. In addition, the in silico prediction for this alteration is inconclusive. Since supporting evidence is limited at this time, the clinical significance of this alteration remains unclear.